The following is an entry in ClinVar:

NM_004656.4(BAP1):c.1945dup (p.Cys649fs)

Gene: BAP1 (BRCA1 associated deubiquitinase 1; minus strand). Cytogenetic location: 3p21.1.
Variant type: Duplication.
Coding change: c.1945dup on transcript NM_004656.4 (MANE Select); coding-DNA position 1945, one base duplicated (T; older notation c.1945dupT).
Protein change: p.Cys649fs; shifts the reading frame from cysteine 649.
Molecular consequence: frameshift variant.
Genome position (GRCh38, 1-based): chr3:52,402,817, A duplicated on the plus strand (T on the coding strand, the reverse complement: BAP1 is on the minus strand). VCF-style (leftmost placement, unchanged base first): chr3-52402816-C-CA. GRCh37 (hg19) VCF-style: chr3-52436832-C-CA.
Other names: c.1891dup, p.Cys631fs (NM_001410772.1); short protein forms C631fs, C649fs.
Identifiers: ClinVar variation 4082300 (VCV004082300.1).

ClinVar aggregate classification (germline): Likely pathogenic (1 of 4 stars; one submission).

Conditions:
Hereditary cancer-predisposing syndrome. Also called: Tumor predisposition; Neoplastic Syndromes, Hereditary; Hereditary neoplastic syndrome; Hereditary Cancer Syndrome. Identifiers: Orphanet 140162, MedGen C0027672, MeSH D009386, MONDO:0015356.

Submission:

Molecular Diagnostics Laboratory, Catalan Institute of Oncology
Classification: Likely pathogenic for Hereditary cancer-predisposing syndrome. Last evaluated: 2025-07-03. Review status: criteria provided, single submitter. Criteria: ACMG Guidelines, 2015. Collection method: clinical testing. Allele origin: germline.
Comment: PVS1_, PM2_Supporting c.1945dup, located in exon 15 of the BAP1 gene, consists in the duplication of a nucleotide, causing a translational frameshift with a predicted alternate stop codon (p.(Cys649LeufsTer15)). This alteration is expected to result in loss of function by premature protein truncation and nonsense-mediated mRNA decay (PVS1). It is not present in the population database gnomAD v2.1.1, non-cancer dataset (PM2_Supporting). The SpliceAI algorithm predicts no significant impact on splicing. To our knowledge, neither relevant clinical data nor well-established functional studies have been reported for this variant. This variant has not been reported in the ClinVar database or LOVD. Based on the currently available evidence, the variant c.1945dup should be considered likely pathogenic according to ACMG/AMP classification guidelines.